The following is an entry in ClinVar:

ClinVar aggregate classification (germline): Uncertain significance (1 of 4 stars; one submission).

Conditions:
Dilated cardiomyopathy 1W (CMD1W). Identifiers: Orphanet 154, MedGen C1969639, MONDO:0012667, OMIM 611407.

Submission:

Labcorp Genetics (formerly Invitae), Labcorp
Classification: Uncertain significance for Dilated cardiomyopathy 1W. Last evaluated: 2022-03-26. Review status: criteria provided, single submitter. Criteria: Invitae Variant Classification Sherloc (09022015). Collection method: clinical testing. Allele origin: germline.
Comment: Algorithms developed to predict the effect of missense changes on protein structure and function are either unavailable or do not agree on the potential impact of this missense change (SIFT: "Not Available"; PolyPhen-2: "Probably Damaging"; Align-GVGD: "Not Available"). This variant has not been reported in the literature in individuals affected with VCL-related conditions. This variant is not present in population databases (gnomAD no frequency). This sequence change replaces methionine, which is neutral and non-polar, with threonine, which is neutral and polar, at codon 748 of the VCL protein (p.Met748Thr). In summary, the available evidence is currently insufficient to determine the role of this variant in disease. Therefore, it has been classified as a Variant of Uncertain Significance.

NM_014000.3(VCL):c.2243T>C (p.Met748Thr)

Gene: VCL (vinculin; plus strand). Cytogenetic location: 10q22.2.
Variant type: single nucleotide variant.
Coding change: c.2243T>C on transcript NM_014000.3 (MANE Select); coding-DNA position 2243, T replaced by C.
Protein change: p.Met748Thr; replaces methionine 748 with threonine.
Molecular consequence: missense variant.
Genome position (GRCh38, 1-based): chr10:74,105,162, T>C. VCF-style: chr10-74105162-T-C. GRCh37 (hg19) VCF-style: chr10-75864920-T-C.
Other names: c.2243T>C, p.Met748Thr (NM_003373.4); short protein forms M748T.
Identifiers: ClinVar variation 2102285 (VCV002102285.4), dbSNP rs2549232157, ClinGen allele CA377262228.